The following is an entry in ClinVar:

ClinVar aggregate classification (germline): Likely pathogenic (1 of 4 stars; one submission).

Conditions:
Growth hormone insensitivity with immune dysregulation 1, autosomal recessive. Also called: Laron syndrome with immunodeficiency; GROWTH HORMONE INSENSITIVITY DUE TO POSTRECEPTOR DEFECT; LARON SYNDROME DUE TO POSTRECEPTOR DEFECT; GROWTH HORMONE INSENSITIVITY SYNDROME WITH IMMUNE DYSREGULATION 1, AUTOSOMAL RECESSIVE. Identifiers: Orphanet 220465, MedGen C5435698, MONDO:0100211, OMIM 245590.

Submission:

3billion
Classification: Likely pathogenic for Growth hormone insensitivity with immune dysregulation 1, autosomal recessive. Last evaluated: 2025-12-05. Review status: criteria provided, single submitter. Criteria: ACMG Guidelines, 2015. Collection method: clinical testing. Allele origin: germline. Affected: yes.
Comment: The variant is not observed in the gnomAD v4.1.0 dataset. Predicted Consequence/Location: Frameshift: predicted to result in a loss or disruption of normal protein function through nonsense-mediated decay (NMD) or protein truncation. Multiple pathogenic variants are reported downstream of the variant. Therefore, this variant is classified as Likely pathogenic according to the recommendation of ACMG/AMP guideline.

NM_012448.4(STAT5B):c.1776-21_1786dup

Gene: STAT5B (signal transducer and activator of transcription 5B; minus strand). Cytogenetic location: 17q21.2.
Variant type: Duplication.
Coding change: c.1776-21_1786dup on transcript NM_012448.4 (MANE Select); 21 bases into the intron before coding-DNA position 1776 through coding-DNA position 1786, 32 bases duplicated.
Molecular consequence: splice acceptor variant.
Genome position (GRCh38, 1-based): chr17:42,210,291-42,210,322, 32 bases duplicated. GRCh37 (hg19): chr17:40,362,309-40,362,340.
Identifiers: ClinVar variation 4855829 (VCV004855829.1).